The following is an entry in ClinVar:

ClinVar aggregate classification (germline): Uncertain significance (1 of 4 stars; one submission).

Submission:

Labcorp Genetics (formerly Invitae), Labcorp
Classification: Uncertain significance. Last evaluated: 2022-05-07. Review status: criteria provided, single submitter. Criteria: Invitae Variant Classification Sherloc (09022015). Collection method: clinical testing. Allele origin: germline.
Comment: In summary, the available evidence is currently insufficient to determine the role of this variant in disease. Therefore, it has been classified as a Variant of Uncertain Significance. Algorithms developed to predict the effect of sequence changes on RNA splicing suggest that this variant may create or strengthen a splice site. Algorithms developed to predict the effect of missense changes on protein structure and function are either unavailable or do not agree on the potential impact of this missense change (SIFT: "Tolerated"; PolyPhen-2: "Possibly Damaging"; Align-GVGD: "Class C0"). This variant has not been reported in the literature in individuals affected with TFRC-related conditions. This variant is not present in population databases (gnomAD no frequency). This sequence change replaces alanine, which is neutral and non-polar, with valine, which is neutral and non-polar, at codon 72 of the TFRC protein (p.Ala72Val).

NM_001128148.3(TFRC):c.215C>T (p.Ala72Val)

Gene: TFRC (transferrin receptor; minus strand). Cytogenetic location: 3q29.
Variant type: single nucleotide variant.
Coding change: c.215C>T on transcript NM_001128148.3 (MANE Select); coding-DNA position 215, C replaced by T.
Protein change: p.Ala72Val; replaces alanine 72 with valine.
Molecular consequence: missense variant. On other transcripts: intron variant (2).
Genome position (GRCh38, 1-based): chr3:196,075,182, G>A on the plus strand (C>T on the coding strand, the complement: TFRC is on the minus strand). VCF-style: chr3-196075182-G-A. GRCh37 (hg19) VCF-style: chr3-195802053-G-A.
Other names: c.215C>T, p.Ala72Val (NM_003234.4); c.-413+1882C>T (NM_001313966.2); c.-5-1057C>T (NM_001313965.2); short protein forms A72V.
Identifiers: ClinVar variation 1982796 (VCV001982796.4), dbSNP rs760231105, ClinGen allele CA355578987.
Genomic context (GRCh38, chr3:196,075,182, plus strand): 5'-TATAGAAAACATTGAAGTTTGGAATGGTCATTCTCACCAATCAAGAAAAAGACGATCACA[G>A]CAATAGTCCCATAGCAGATACTTCCACTACACCTTTTTGGTTTTGTGACATTGGCCTTTG-3'
Protein context (NP_001121620.1, residues 62-82): CSGSICYGTI[Ala72Val]VIVFFLIGFM